The following is an entry in ClinVar:

ClinVar aggregate classification (germline): Uncertain significance (1 of 4 stars; one submission).

Conditions:
Familial thoracic aortic aneurysm and aortic dissection (TAAD). Also called: Thoracic aortic aneurysms and dissections. Identifiers: Orphanet 91387, MedGen C4707243, MONDO:0019625.

gnomAD v4.1: 2 of 1,614,192 alleles (0.00012%); highest among the groups gnomAD compares: Non-Finnish European, 0.000085%; no homozygotes.

Submission:

All of Us Research Program, National Institutes of Health
Classification: Uncertain significance for Familial thoracic aortic aneurysm and aortic dissection. Last evaluated: 2023-05-31. Review status: criteria provided, single submitter. Criteria: ACMG Guidelines, 2015. Collection method: clinical testing. Allele origin: germline. Inheritance: Autosomal dominant inheritance. Observed: 1 variant allele, 1 heterozygote.
Comment: This study involves interpretation of variants in research participants for the purpose of population health screening. Participant phenotype was not available at the time of variant classification. Additional details can be found in publication PMID: 35346344, PMCID: PMC8962531

NM_002474.3(MYH11):c.427A>C (p.Lys143Gln)

Gene: MYH11 (myosin heavy chain 11; minus strand). Cytogenetic location: 16p13.11.
Variant type: single nucleotide variant.
Coding change: c.427A>C on transcript NM_002474.3 (MANE Select); coding-DNA position 427, A replaced by C.
Protein change: p.Lys143Gln; replaces lysine 143 with glutamine.
Molecular consequence: missense variant.
Genome position (GRCh38, 1-based): chr16:15,823,330, T>G on the plus strand (A>C on the coding strand, the complement: MYH11 is on the minus strand). VCF-style: chr16-15823330-T-G. GRCh37 (hg19) VCF-style: chr16-15917187-T-G.
Other names: c.427A>C, p.Lys143Gln (NM_001040113.2, NM_001040114.2, NM_022844.3); short protein forms K143Q.
Identifiers: ClinVar variation 3071369 (VCV003071369.1), dbSNP rs1225067070, ClinGen allele CA394882421.